The following is an entry in ClinVar:

NM_001127222.2(CACNA1A):c.116G>A (p.Gly39Asp)

Gene: CACNA1A (calcium voltage-gated channel subunit alpha1 A; minus strand). Cytogenetic location: 19p13.13.
Variant type: single nucleotide variant.
Coding change: c.116G>A on transcript NM_001127222.2 (MANE Select); coding-DNA position 116, G replaced by A.
Protein change: p.Gly39Asp; replaces glycine 39 with aspartic acid.
Molecular consequence: missense variant.
Genome position (GRCh38, 1-based): chr19:13,506,109, C>T on the plus strand (G>A on the coding strand, the complement: CACNA1A is on the minus strand). VCF-style: chr19-13506109-C-T. GRCh37 (hg19) VCF-style: chr19-13616923-C-T.
Other names: c.116G>A, p.Gly39Asp (NM_000068.4, NM_001127221.2, NM_001174080.2 and 1 more transcripts); short protein forms G39D.
Identifiers: ClinVar variation 2430655 (VCV002430655.2), dbSNP rs990248774, ClinGen allele CA305562729.

ClinVar aggregate classification (germline): Uncertain significance (1 of 4 stars; one submission).

Allele frequency attached by ClinVar (database versions not stated): TOPMed below 0.00001.

Submission:

GeneDx
Classification: Uncertain significance. Last evaluated: 2025-12-09. Review status: criteria provided, single submitter. Criteria: GeneDx Variant Classification Process June 2021. Collection method: clinical testing. Allele origin: germline.
Comment: Not observed at significant frequency in large population cohorts (gnomAD); In silico analysis supports that this missense variant has a deleterious effect on protein structure/function; Has not been previously published as pathogenic or benign to our knowledge